The following is an entry in ClinVar:

NM_004327.4(BCR):c.2116-7C>A

Genes: BCR (BCR activator of RhoGEF and GTPase; plus strand), LOC107963947 (BCR-ABL p200 breakpoint cluster region; plus strand). Cytogenetic location: 22q11.23.
Variant type: single nucleotide variant.
Coding change: c.2116-7C>A on transcript NM_004327.4 (MANE Select); 7 bases into the intron before coding-DNA position 2116, C replaced by A.
Molecular consequence: intron variant.
Genome position (GRCh38, 1-based): chr22:23,283,970, C>A. VCF-style: chr22-23283970-C-A. GRCh37 (hg19) VCF-style: chr22-23626157-C-A.
Other names: NC_000022.10:g.23626157C>A; c.2116-7C>A (NM_021574.3).
Identifiers: ClinVar variation 708733 (VCV000708733.8), dbSNP rs201747848, ClinGen allele CA10142513.

ClinVar aggregate classification (germline): Benign/Likely benign. Review status: criteria provided, multiple submitters, no conflicts (2 of 4 stars). 2 submissions from 2 submitters: Benign (1); Likely benign (1). Last evaluated 2026-04-01.

Allele frequency attached by ClinVar (database versions not stated): 1000 Genomes Project 30x 0.00109; 1000 Genomes Project 0.00120; gnomAD exomes 0.00230; gnomAD 0.00287; TOPMed 0.00292; ESP Exome Variant Server 0.00301; ExAC 0.00501.
gnomAD v4.1: 4,934 of 1,589,072 alleles (0.31%); highest among the groups gnomAD compares: Non-Finnish European, 0.38%; 14 homozygotes.

Submissions (9):

CeGaT Center for Human Genetics Tuebingen
Classification: Likely benign. Last evaluated: 2026-04-01. Review status: criteria provided, single submitter. Criteria: CeGaT Center For Human Genetics Tuebingen Variant Classification Criteria Version 2. Collection method: clinical testing. Allele origin: germline. Affected: yes. Observed: 1 variant allele.
Comment: BCR: BP4, BS2

Labcorp Genetics (formerly Invitae), Labcorp
Classification: Benign. Last evaluated: 2018-08-05. Review status: criteria provided, single submitter. Criteria: Invitae Variant Classification Sherloc (09022015). Collection method: clinical testing. Allele origin: germline.

Dr. Peter K. Rogan Lab, Western University
No classification provided (evidence only). Condition: Lung cancer. Review status: no classification provided. Collection method: in vitro. Allele origin: not applicable. Functional consequence: retained intron. Not counted in ClinVar's aggregate classification.

Dr. Peter K. Rogan Lab, Western University
No classification provided (evidence only). Condition: Familial cancer of breast. Review status: no classification provided. Collection method: in vitro. Allele origin: not applicable. Functional consequence: skipped exon, retained intron. Not counted in ClinVar's aggregate classification.

Dr. Peter K. Rogan Lab, Western University
No classification provided (evidence only). Condition: Familial cancer of breast. Review status: no classification provided. Collection method: in vitro. Allele origin: not applicable. Functional consequence: retained intron. Not counted in ClinVar's aggregate classification.

Dr. Peter K. Rogan Lab, Western University
No classification provided (evidence only). Condition: Cervical cancer. Review status: no classification provided. Collection method: in vitro. Allele origin: not applicable. Functional consequence: skipped exon. Not counted in ClinVar's aggregate classification.

Dr. Peter K. Rogan Lab, Western University
No classification provided (evidence only). Condition: Sarcoma. Review status: no classification provided. Collection method: in vitro. Allele origin: not applicable. Functional consequence: retained intron. Not counted in ClinVar's aggregate classification.

Dr. Peter K. Rogan Lab, Western University
No classification provided (evidence only). Condition: Sarcoma. Review status: no classification provided. Collection method: in vitro. Allele origin: not applicable. Functional consequence: retained intron. Not counted in ClinVar's aggregate classification.

Dr. Peter K. Rogan Lab, Western University
No classification provided (evidence only). Condition: Ovarian serous cystadenocarcinoma. Review status: no classification provided. Collection method: in vitro. Allele origin: not applicable. Functional consequence: retained intron. Not counted in ClinVar's aggregate classification.